The following is an entry in ClinVar:

NM_006031.6(PCNT):c.2454G>A (p.Gln818=)

Gene: PCNT (pericentrin; plus strand). Cytogenetic location: 21q22.3.
Variant type: single nucleotide variant.
Coding change: c.2454G>A on transcript NM_006031.6 (MANE Select); coding-DNA position 2454, G replaced by A.
Protein change: p.Gln818=; no amino-acid change (glutamine 818 retained).
Molecular consequence: synonymous variant.
Genome position (GRCh38, 1-based): chr21:46,363,779, G>A. VCF-style: chr21-46363779-G-A. GRCh37 (hg19) VCF-style: chr21-47783694-G-A.
Other names: c.2454G>A (NM_006031.5); c.2100G>A, p.Gln700= (NM_001315529.2).
Identifiers: ClinVar variation 1539015 (VCV001539015.9), dbSNP rs375305165, ClinGen allele CA10078975.
Genomic context (GRCh38, chr21:46,363,779, plus strand): 5'-GCTTCAGGACCAACAGGCAGCCCAGATCCTGGATCTGGAGAGGTCCTTGACGGAGCAGCA[G>A]GGCCGCCTGCAGCAGCTGGAACAGGACCTCACTTCAGACGACGCCCTGCATTGCAGCCAG-3'
Protein context (NP_006022.3, residues 808-828): LDLERSLTEQ[Gln818=]GRLQQLEQDL

ClinVar aggregate classification (germline): Likely benign. Review status: criteria provided, single submitter (1 of 4 stars). 2 submissions from 2 submitters: Likely benign (1). 1 of the submissions does not count toward it. Last evaluated 2024-10-30.

Conditions:
PCNT-related disorder. Also called: PCNT-related condition.

Allele frequency attached by ClinVar (database versions not stated): gnomAD exomes below 0.00001; ExAC 0.00001; gnomAD 0.00003; TOPMed 0.00003; ESP Exome Variant Server 0.00015.
gnomAD v4.1: 8 of 1,613,750 alleles (0.0005%); highest among the groups gnomAD compares: African/African-American, 0.0093%; no homozygotes.

Submissions (2):

Labcorp Genetics (formerly Invitae), Labcorp
Classification: Likely benign. Last evaluated: 2024-10-30. Review status: criteria provided, single submitter. Criteria: Invitae Variant Classification Sherloc (09022015). Collection method: clinical testing. Allele origin: germline.

PreventionGenetics, part of Exact Sciences
Classification: Likely benign for PCNT-related condition. Last evaluated: 2021-11-17. Review status: no assertion criteria provided. Collection method: clinical testing. Allele origin: germline. Not counted in ClinVar's aggregate classification.
Comment: This variant is classified as likely benign based on ACMG/AMP sequence variant interpretation guidelines (Richards et al. 2015 PMID: 25741868, with internal and published modifications).